The following is an entry in ClinVar:

NM_007294.4(BRCA1):c.695dup (p.Asp232fs)

Gene: BRCA1 (BRCA1 DNA repair associated; minus strand). Cytogenetic location: 17q21.31.
Variant type: Duplication.
Coding change: c.695dup on transcript NM_007294.4 (MANE Select); coding-DNA position 695, one base duplicated (A; older notation c.695dupA).
Protein change: p.Asp232fs; shifts the reading frame from aspartic acid 232.
Molecular consequence: frameshift variant. On other transcripts: non-coding transcript variant (1).
Genome position (GRCh38, 1-based): chr17:43,094,836, T duplicated on the plus strand (A on the coding strand, the reverse complement: BRCA1 is on the minus strand). VCF-style (leftmost placement, unchanged base first): chr17-43094835-A-AT. GRCh37 (hg19) VCF-style: chr17-41246852-A-AT.
Other names: c.569dup, p.Asp190Glufs (NM_001407687.1, NM_001407688.1, NM_001407689.1 and 20 more transcripts); c.554dup, p.Asp185Glufs (NM_001407692.1, NM_001407694.1, NM_001407695.1 and 42 more transcripts); c.551dup, p.Asp184Glufs (NM_001407740.1, NM_001407741.1, NM_001407742.1 and 26 more transcripts); c.482dup, p.Asp161Glufs (NM_001407853.1, NM_001407894.1, NM_001407895.1 and 12 more transcripts); c.695dup, p.Asp232Glufs (NM_001407854.1, NM_001407858.1, NM_001407859.1 and 52 more transcripts); c.692dup, p.Asp231Glufs (NM_001407860.1, NM_001407861.1, NM_001407972.1 and 38 more transcripts); c.494dup, p.Asp165Glufs (NM_001407862.1, NM_001408474.1, NM_001408476.1); c.572dup, p.Asp191Glufs (NM_001407863.1, NM_001407919.1, NM_001407937.1 and 34 more transcripts); and 17 more; short protein forms D232fs, D185fs.
Identifiers: ClinVar variation 433694 (VCV000433694.3), dbSNP rs1555593302, ClinGen allele CA645373199.

ClinVar aggregate classification (germline): Pathogenic. Review status: reviewed by expert panel (3 of 4 stars). 2 submissions from 2 submitters: Pathogenic (1). 1 of the submissions does not count toward it. Last evaluated 2017-12-15.

Conditions:
Malignant tumor of breast. Also called: Malignant breast neoplasm; Cancer breast. Identifiers: MedGen C0006142, MONDO:0007254. Disease mechanism: loss of function.
Breast-ovarian cancer, familial, susceptibility to, 1 (BROVCA1). Also called: BRCA1 Hereditary Breast and Ovarian Cancer; OVARIAN CANCER, SUSCEPTIBILITY TO. Identifiers: Orphanet 145, MedGen C2676676, MONDO:0011450, OMIM 604370. Disease mechanism: loss of function.

Submissions (2):

Evidence-based Network for the Interpretation of Germline Mutant Alleles (ENIGMA)
Classification: Pathogenic for Breast-ovarian cancer, familial, susceptibility to, 1. Last evaluated: 2017-12-15. Review status: reviewed by expert panel. Criteria: ENIGMA BRCA1/2 Classification Criteria (2017-06-29). Collection method: curation. Allele origin: germline. Study: ENIGMA.
Comment: Variant allele predicted to encode a truncated non-functional protein.

Department of Pathology and Laboratory Medicine, Sinai Health System
Classification: Pathogenic for Malignant tumor of breast. Review status: no assertion criteria provided. Collection method: clinical testing. Allele origin: unknown. Affected: yes. Study: The Canadian Open Genetics Repository (COGR). Not counted in ClinVar's aggregate classification.
Comment: The BRCA1 p.Asp232GlufsX6 variant was not identified in the literature nor was it identified in the dbSNP, NHLBI Exome Sequencing Project (Exome Variant Server), HGMD, LOVD, COSMIC, UMD, ClinVar, or BIC databases. The p.Asp232GlufsX6 duplication variant is predicted to cause a frameshift, which alters the protein's amino acid sequence beginning at codon 232 and leads to a premature stop codon 6 codons downstream. This alteration is then predicted to result in a truncated or absent protein and loss of function. Loss of function variants of the BRCA1 gene are an established mechanism of disease in hereditary breast and ovarian cancer and is the type of variant expected to cause the disorder. In summary, based on the above information, this variant meets our laboratoryâ€šÃ„Ã´s criteria to be classified as pathogenic.